The following is an entry in ClinVar:

ClinVar aggregate classification (germline): Likely benign (1 of 4 stars; one submission).

Allele frequency attached by ClinVar (database versions not stated): gnomAD 0.00001; gnomAD exomes 0.00001; TOPMed 0.00001.
gnomAD v4.1: 7 of 1,613,934 alleles (0.00043%); highest among the groups gnomAD compares: East Asian, 0.011%; no homozygotes.

Submission:

CeGaT Center for Human Genetics Tuebingen
Classification: Likely benign. Last evaluated: 2023-06-01. Review status: criteria provided, single submitter. Criteria: CeGaT Center For Human Genetics Tuebingen Variant Classification Criteria Version 2. Collection method: clinical testing. Allele origin: germline. Affected: yes. Observed: 1 variant allele.
Comment: TAF6: BP4, BP7

NM_139315.3(TAF6):c.1725C>T (p.Val575=)

Genes: AP4M1 (adaptor related protein complex 4 subunit mu 1; plus strand), TAF6 (TATA-box binding protein associated factor 6; minus strand). Cytogenetic location: 7q22.1.
Variant type: single nucleotide variant.
Coding change: c.1725C>T on transcript NM_139315.3 (MANE Select); coding-DNA position 1725, C replaced by T.
Protein change: p.Val575=; no amino-acid change (valine 575 retained).
Molecular consequence: synonymous variant. On other transcripts: non-coding transcript variant (1), 3 prime UTR variant (2).
Genome position (GRCh38, 1-based): chr7:100,107,555, G>A on the plus strand (C>T on the coding strand, the complement: TAF6 is on the minus strand). VCF-style: chr7-100107555-G-A. GRCh37 (hg19) VCF-style: chr7-99705178-G-A.
Other names: c.1725C>T, p.Val575= (NM_001364998.1, NM_001364999.1, NM_005641.4); c.1695C>T, p.Val565= (NM_001365000.1, NM_001365001.1, NM_001365002.1 and 1 more transcripts); c.1863C>T, p.Val621= (NM_001365004.1); c.*673G>A (NM_001363671.2, NM_004722.4); c.1836C>T, p.Val612= (NM_001190415.2).
Identifiers: ClinVar variation 2657733 (VCV002657733.24), dbSNP rs1299756204, ClinGen allele CA456715457.